The following is an entry in ClinVar:

NM_001365999.1(SZT2):c.6188-3C>T

Gene: SZT2 (SZT2 subunit of KICSTOR complex; plus strand). Cytogenetic location: 1p34.2.
Variant type: single nucleotide variant.
Coding change: c.6188-3C>T on transcript NM_001365999.1 (MANE Select); 3 bases into the intron before coding-DNA position 6188, C replaced by T.
Molecular consequence: intron variant.
Genome position (GRCh38, 1-based): chr1:43,437,403, C>T. VCF-style: chr1-43437403-C-T. GRCh37 (hg19) VCF-style: chr1-43903074-C-T.
Other names: c.6017-3C>T (NM_015284.4).
Identifiers: ClinVar variation 1897624 (VCV001897624.6), dbSNP rs2545841112, ClinGen allele CA2574342154.

ClinVar aggregate classification (germline): Uncertain significance. Review status: criteria provided, multiple submitters, no conflicts (2 of 4 stars). 2 submissions from 2 submitters: Uncertain significance (2). Last evaluated 2026-02-17.

gnomAD v4.1: 4 of 1,614,106 alleles (0.00025%); highest among the groups gnomAD compares: Non-Finnish European, 0.000085%; no homozygotes.

Submissions (2):

Women's Health and Genetics/Laboratory Corporation of America, LabCorp
Classification: Uncertain significance. Last evaluated: 2026-02-17. Review status: criteria provided, single submitter. Criteria: LabCorp Variant Classification Summary - May 2015. Collection method: clinical testing. Allele origin: germline.
Comment: Variant summary: SZT2 c.6017-3C>T alters a conserved nucleotide located close to a canonical splice site and therefore could affect mRNA splicing, leading to a significantly altered protein sequence. Consensus agreement among computation tools predict no significant impact on normal splicing. However, these predictions have yet to be confirmed by functional studies. The variant was absent in 251334 control chromosomes. The available data on variant occurrences in the general population are insufficient to allow any conclusion about variant significance. To our knowledge, no occurrence of c.6017-3C>T in individuals affected with SZT2-related conditions and no experimental evidence demonstrating its impact on protein function have been reported. ClinVar contains an entry for this variant (Variation ID: 1897624). Based on the evidence outlined above, the variant was classified as uncertain significance.

Labcorp Genetics (formerly Invitae), Labcorp
Classification: Uncertain significance. Last evaluated: 2022-10-17. Review status: criteria provided, single submitter. Criteria: Invitae Variant Classification Sherloc (09022015). Collection method: clinical testing. Allele origin: germline.
Comment: This sequence change falls in intron 42 of the SZT2 gene. It does not directly change the encoded amino acid sequence of the SZT2 protein. It affects a nucleotide within the consensus splice site. In summary, the available evidence is currently insufficient to determine the role of this variant in disease. Therefore, it has been classified as a Variant of Uncertain Significance. Variants that disrupt the consensus splice site are a relatively common cause of aberrant splicing (PMID: 17576681, 9536098). Algorithms developed to predict the effect of sequence changes on RNA splicing suggest that this variant is not likely to affect RNA splicing. This variant has not been reported in the literature in individuals affected with SZT2-related conditions. This variant is not present in population databases (gnomAD no frequency).

Literature cited by the submitters: PubMed 17576681 (cited by Labcorp Genetics (formerly Invitae), Labcorp); PubMed 9536098 (cited by Labcorp Genetics (formerly Invitae), Labcorp).